The following is an entry in ClinVar:

ClinVar aggregate classification (germline): Pathogenic. Review status: criteria provided, multiple submitters, no conflicts (2 of 4 stars). 14 submissions from 14 submitters: Pathogenic (13). 1 of the submissions does not count toward it. Last evaluated 2026-09-08.

Conditions:
Familial hypokalemia-hypomagnesemia (GTLMNS). Also called: HYPOMAGNESEMIA-HYPOKALEMIA, PRIMARY RENOTUBULAR, WITH HYPOCALCIURIA; POTASSIUM AND MAGNESIUM DEPLETION; gitelman syndrome. Identifiers: Orphanet 358, MedGen C0268450, MONDO:0009904, OMIM 263800.
Bartter syndrome. Identifiers: Orphanet 112, MedGen C0004775, MONDO:0015231.
Renal tubulopathies.
SLC12A3-related disorder. Also called: SLC12A3-related condition.

Allele frequency attached by ClinVar (database versions not stated): gnomAD 0.00003 and 0.00001; gnomAD exomes 0.00005; ExAC 0.00002; ESP Exome Variant Server 0.00008; TOPMed 0.00010.
gnomAD v4.1: 149 of 1,613,898 alleles (0.0092%); highest among the groups gnomAD compares: Non-Finnish European, 0.012%; no homozygotes.

Submissions (14):

Genetics Laboratory, Great Ormond Street Hospital NHS Foundation Trust, North Thames Genomic Laboratory Hub
Classification: Pathogenic for Renal tubulopathies. Last evaluated: 2026-09-08. Review status: criteria provided, single submitter. Criteria: ACGS Best Practice Guidelines for Variant Classification in Rare Disease 2024 v1.2. Collection method: clinical testing. Allele origin: germline. Affected: yes.
Comment: PM2_moderate, PVS1_strong, PM3_strong

CeGaT Center for Human Genetics Tuebingen
Classification: Pathogenic. Last evaluated: 2026-03-01. Review status: criteria provided, single submitter. Criteria: CeGaT Center For Human Genetics Tuebingen Variant Classification Criteria Version 2. Collection method: clinical testing. Allele origin: germline. Affected: yes. Observed: 2 variant alleles.
Comment: SLC12A3: PM3:Very Strong, PVS1:Strong, PM2

Labcorp Genetics (formerly Invitae), Labcorp
Classification: Pathogenic. Last evaluated: 2025-11-02. Review status: criteria provided, single submitter. Criteria: Invitae Variant Classification Sherloc (09022015). Collection method: clinical testing. Allele origin: germline.
Comment: This sequence change affects an acceptor splice site in intron 3 of the SLC12A3 gene. It is expected to disrupt RNA splicing. Variants that disrupt the donor or acceptor splice site typically lead to a loss of protein function (PMID: 16199547), and loss-of-function variants in SLC12A3 are known to be pathogenic (PMID: 20848653, 22009145, 25841442). This variant is present in population databases (rs201555148, gnomAD 0.01%). Disruption of this splice site has been observed in individual(s) with Gitelman syndrome (PMID: 9596079, 26770037). In at least one individual the data is consistent with being in trans (on the opposite chromosome) from a pathogenic variant. It has also been observed to segregate with disease in related individuals. ClinVar contains an entry for this variant (Variation ID: 448398). Algorithms developed to predict the effect of sequence changes on RNA splicing suggest that this variant may disrupt the consensus splice site. For these reasons, this variant has been classified as Pathogenic.

Natera, Inc.
Classification: Pathogenic for Gitelman syndrome. Last evaluated: 2025-09-09. Review status: criteria provided, single submitter. Criteria: Natera Variant Classification Schema (03/2026). Collection method: clinical testing. Allele origin: germline.
Comment: The c.506-1G>A variant in SLC12A3 is a canonical splice acceptor site variant predicted to affect pre-mRNA splicing, which may result in an abnormal transcript and altered protein product. This variant is expected to result in nonsense mediated decay, truncation, or a dysfunctional protein product. This variant is rare in the general population with a frequency below the threshold expected for the associated phenotype(s). This variant has been observed in one or more individuals affected with the associated recessive disease, as either homozygous or compound heterozygous with a second variant (PMID: 30413979, 32005694). Additionally, this variant has been observed to segregate in affected family members (PMID: 30413979). Given the available evidence, this variant is classified as Pathogenic.

PreventionGenetics, part of Exact Sciences
Classification: Pathogenic for SLC12A3-related condition. Last evaluated: 2025-05-15. Review status: criteria provided, single submitter. Criteria: ACMG Guidelines, 2015. Collection method: clinical testing. Allele origin: germline.
Comment: The SLC12A3 c.506-1G>A variant is predicted to disrupt the AG splice acceptor site and interfere with normal splicing. This variant has been reported in the compound heterozygous state in individuals with Gitelman syndrome (Abuladze et al 1998. PubMed ID: 9596079; Supp. Table 1, Fujimura et al 2018. PubMed ID: 30596175). This variant is reported in 0.010% of alleles in individuals of East Asian descent in gnomAD. Variants that disrupt the consensus splice acceptor site in SLC12A3 are expected to be pathogenic. This variant is interpreted as pathogenic.

Blueprint Genetics
Classification: Pathogenic for SLC12A3-related disorders. Last evaluated: 2023-10-05. Review status: criteria provided, single submitter. Criteria: ACMG Guidelines, 2015. Collection method: clinical testing. Allele origin: germline. Affected: yes. Observed: 5 variant alleles.

Victorian Clinical Genetics Services, Murdoch Childrens Research Institute
Classification: Pathogenic for Familial hypokalemia-hypomagnesemia. Last evaluated: 2023-07-17. Review status: criteria provided, single submitter. Criteria: ACMG Guidelines, 2015. Collection method: clinical testing. Allele origin: germline. Inheritance: Autosomal recessive inheritance. Affected: yes.
Comment: Based on the classification scheme VCGS_Germline_v1.3.4, this variant is classified as Pathogenic. Following criteria are met: 0102 - Loss of function is a known mechanism of disease in this gene and is associated with Gitelman syndrome (MIM#263800). (I) 0106 - This gene is associated with autosomal recessive disease. (I) 0211 - Canonical splice site variant without proven consequence on splicing (no functional evidence available). (SP) 0251 - This variant is heterozygous. (I) 0304 - Variant is present in gnomAD (v2) <0.01 for a recessive condition (14 heterozygotes, 0 homozygotes). (SP) 0505 - Abnormal splicing is predicted by in silico tools and affected nucleotide is highly conserved. (SP) 0801 - This variant has strong previous evidence of pathogenicity in unrelated individuals. This variant has been reported multiple times as pathogenic, and observed in compound heterozygous individuals with Gitelman syndrome (ClinVar, PMID: 30413979, PMID: 31577716). (SP) 1208 - Inheritance information for this variant is not currently available in this individual. (I) Legend: (SP) - Supporting pathogenic, (I) - Information, (SB) - Supporting benign

GeneDx
Classification: Pathogenic. Last evaluated: 2023-04-06. Review status: criteria provided, single submitter. Criteria: GeneDx Variant Classification Process June 2021. Collection method: clinical testing. Allele origin: germline. Affected: yes.
Comment: Canonical splice site variant predicted to result in a null allele in a gene for which loss-of-function is a known mechanism of disease; Recurrent variant seen in many different geographic areas (Yan et al., 2021); This variant is associated with the following publications: (PMID: 30596175, 25525159, 31398183, 26770037, 25841442, 22009145, 20848653, 22334612, 23328711, 32005694, 33772578, 35314707, 31328266, 28700713, 30413979, 9596079, 34389731, 31577716)

Fulgent Genetics
Classification: Pathogenic for Familial hypokalemia-hypomagnesemia. Last evaluated: 2021-09-17. Review status: criteria provided, single submitter. Criteria: ACMG Guidelines, 2015. Collection method: clinical testing. Allele origin: unknown.

Genome-Nilou Lab
Classification: Pathogenic for Familial hypokalemia-hypomagnesemia. Last evaluated: 2021-07-15. Review status: criteria provided, single submitter. Criteria: ACMG Guidelines, 2015. Collection method: clinical testing. Allele origin: germline. Affected: no.

Revvity Omics, Revvity
Classification: Pathogenic for Familial hypokalemia-hypomagnesemia. Last evaluated: 2019-03-14. Review status: criteria provided, single submitter. Criteria: ACMG Guidelines, 2015. Collection method: clinical testing. Allele origin: germline.

Athena Diagnostics
Classification: Pathogenic. Last evaluated: 2015-01-07. Review status: criteria provided, single submitter. Criteria: Athena Diagnostics Criteria. Collection method: clinical testing. Allele origin: germline.

Juno Genomics, Hangzhou Juno Genomics, Inc
Classification: Pathogenic for Familial hypokalemia-hypomagnesemia. Review status: criteria provided, single submitter. Criteria: ACMG Guidelines, 2015. Collection method: clinical testing. Allele origin: germline. Affected: yes.
Comment: Absent from controls (or at extremely low frequency if recessive) in Genome Aggregation Database, Exome Sequencing Project, 1000 Genomes Project, or Exome Aggregation Consortium.;Null variant in a gene where loss of function (LOF) is a known mechanism of disease.;For recessive disorders, detected in trans with a pathogenic variant.;Co-segregation with disease in multiple affected family members in a gene definitively known to cause the disease.

Sydney Genome Diagnostics, Children's Hospital Westmead
Classification: Pathogenic for Familial hypokalemia-hypomagnesemia; Bartter syndrome. Last evaluated: 2018-05-03. Review status: no assertion criteria provided. Collection method: clinical testing. Allele origin: unknown. Affected: yes. Observed: 1 variant allele, 1 compound heterozygote. Not counted in ClinVar's aggregate classification.
Comment: To our knowledge, this variant has not been previously reported to be a disease causing variant and it has not been reported in the ExAC allele frequency database. In silico analysis (Alamut Visual v2.8) predicts that this variant abolishes the splice donor/acceptor site. According to ACMG guidelines, this variant is considered to be pathogenic.

Literature cited by the submitters: PubMed 16199547 (cited by Labcorp Genetics (formerly Invitae), Labcorp); PubMed 20848653 (cited by Labcorp Genetics (formerly Invitae), Labcorp); PubMed 22009145 (cited by Labcorp Genetics (formerly Invitae), Labcorp); PubMed 25841442 (cited by Labcorp Genetics (formerly Invitae), Labcorp); PubMed 9596079 (cited by Labcorp Genetics (formerly Invitae), Labcorp and Athena Diagnostics); PubMed 26770037 (cited by Labcorp Genetics (formerly Invitae), Labcorp); PubMed 30413979 (cited by Natera, Inc. and Victorian Clinical Genetics Services, Murdoch Childrens Research Institute); PubMed 32005694 (cited by Natera, Inc.); PubMed 31577716 (cited by Victorian Clinical Genetics Services, Murdoch Childrens Research Institute).

NM_001126108.2(SLC12A3):c.506-1G>A

Gene: SLC12A3 (solute carrier family 12 member 3; plus strand). Cytogenetic location: 16q13.
Variant type: single nucleotide variant.
Coding change: c.506-1G>A on transcript NM_001126108.2 (MANE Select); the canonical splice acceptor site of the intron before coding-DNA position 506, G replaced by A.
Molecular consequence: splice acceptor variant.
Genome position (GRCh38, 1-based): chr16:56,869,728, G>A. VCF-style: chr16-56869728-G-A. GRCh37 (hg19) VCF-style: chr16-56903640-G-A.
Other names: c.506-1G>A (NM_000339.3, NM_001126108.1); c.503-1G>A (NM_001126107.2, NM_001410896.1).
Identifiers: ClinVar variation 448398 (VCV000448398.34), dbSNP rs201555148, ClinGen allele CA8069085.